The following is an entry in ClinVar:

NM_024529.5(CDC73):c.817GCA[1] (p.Ala274del)

Gene: CDC73 (cell division cycle 73; plus strand). Cytogenetic location: 1q31.2.
Variant type: Microsatellite.
Coding change: c.817GCA[1] on transcript NM_024529.5 (MANE Select); one copy of the 3-base unit GCA starting at c.817; the reference has two copies in a row; one copy, 3 bases deleted.
Protein change: p.Ala274del; deletes alanine 274.
Molecular consequence: inframe deletion.
Genome position (GRCh38, 1-based): chr1:193,147,957-193,147,959, GCA deleted; deleting any 3 consecutive bases within chr1:193,147,954-193,147,959 gives the same sequence; the position shown is the placement nearest the transcript's 3' end. VCF-style (leftmost placement, unchanged base first): chr1-193147953-TGCA-T. GRCh37 (hg19) VCF-style: chr1-193117083-TGCA-T.
Other names: short protein forms A274del.
Identifiers: ClinVar variation 2700040 (VCV002700040.3), dbSNP rs2527337043, ClinGen allele CA2697554810.

ClinVar aggregate classification (germline): Uncertain significance (1 of 4 stars; one submission).

Conditions:
Parathyroid carcinoma (PRTC). Also called: CDC73-Related Parathyroid Carcinoma; Parathyroid gland carcinoma. Identifiers: Orphanet 143, MedGen C0687150, MONDO:0012004, OMIM 608266, HP:0006780.

Submission:

Labcorp Genetics (formerly Invitae), Labcorp
Classification: Uncertain significance for Parathyroid carcinoma. Last evaluated: 2023-12-01. Review status: criteria provided, single submitter. Criteria: Invitae Variant Classification Sherloc (09022015). Collection method: clinical testing. Allele origin: germline.
Comment: This variant, c.820_822del, results in the deletion of 1 amino acid(s) of the CDC73 protein (p.Ala274del), but otherwise preserves the integrity of the reading frame. This variant is not present in population databases (gnomAD no frequency). This variant has not been reported in the literature in individuals affected with CDC73-related conditions. Experimental studies and prediction algorithms are not available or were not evaluated, and the functional significance of this variant is currently unknown. In summary, the available evidence is currently insufficient to determine the role of this variant in disease. Therefore, it has been classified as a Variant of Uncertain Significance.